The following is an entry in ClinVar:

ClinVar aggregate classification (germline): Likely pathogenic (1 of 4 stars; one submission).

Conditions:
Progressive muscular dystrophy. Identifiers: Orphanet 206644, MedGen C4551827, MONDO:0016106.

Submission:

Myriad Genetics, Inc.
Classification: Likely pathogenic for Progressive muscular dystrophy. Last evaluated: 2020-02-04. Review status: criteria provided, single submitter. Criteria: Myriad Autosomal Dominant, Autosomal Recessive and X-Linked Classification Criteria (2023). Collection method: clinical testing. Allele origin: unknown.
Comment: NM_004006.2(DMD):c.6124A>T(K2042*) is expected to be pathogenic in the context of dystrophinopathy (including Duchenne/Becker muscular dystrophy). This variant is predicted to lead to an abnormal or absent protein product due to the creation of a premature termination codon in DMD, a gene where loss-of-function variants are known to be pathogenic. Please note: this variant was assessed in the context of healthy population screening.

NM_004006.3(DMD):c.6124A>T (p.Lys2042Ter)

Gene: DMD (dystrophin; minus strand). Cytogenetic location: Xp21.1.
Variant type: single nucleotide variant.
Coding change: c.6124A>T on transcript NM_004006.3 (MANE Select); coding-DNA position 6124, A replaced by T.
Protein change: p.Lys2042Ter; replaces lysine 2042 with a stop codon.
Molecular consequence: nonsense.
Genome position (GRCh38, 1-based): chrX:32,287,695, T>A on the plus strand (A>T on the coding strand, the complement: DMD is on the minus strand). VCF-style: chrX-32287695-T-A. GRCh37 (hg19) VCF-style: chrX-32305812-T-A.
Other names: c.6100A>T, p.Lys2034Ter (NM_000109.4); c.6112A>T, p.Lys2038Ter (NM_004009.3); c.5755A>T, p.Lys1919Ter (NM_004010.3); c.2101A>T, p.Lys701Ter (NM_004011.4); c.2092A>T, p.Lys698Ter (NM_004012.4); short protein forms K1919*, K2034*, K2038*, K2042*, K698*, K701*.
Identifiers: ClinVar variation 983654 (VCV000983654.4), dbSNP rs1178785582, ClinGen allele CA412666642.